The following is an entry in ClinVar:

NM_024422.6(DSC2):c.586_587insCCTGTGTCCTGTAG (p.Tyr196delinsSerCysValLeuTer)

Gene: DSC2 (desmocollin 2; minus strand). Cytogenetic location: 18q12.1.
Variant type: Insertion.
Coding change: c.586_587insCCTGTGTCCTGTAG on transcript NM_024422.6 (MANE Select); coding-DNA positions 586 to 587, CCTGTGTCCTGTAG inserted.
Protein change: p.Tyr196delinsSerCysValLeuTer.
Molecular consequence: nonsense.
Genome position: GRCh38 VCF-style: chr18-31089482-T-TCTACAGGACACAGG. GRCh37 (hg19) VCF-style: chr18-28669445-T-TCTACAGGACACAGG.
Other names: c.157_158insCCTGTGTCCTGTAG, p.Tyr53delinsSerCysValLeuTer (NM_001406506.1, NM_001406507.1); c.586_587insCCTGTGTCCTGTAG, p.Tyr196delinsSerCysValLeuTer (NM_004949.5).
Identifiers: ClinVar variation 3386547 (VCV003386547.1).
Genomic context (GRCh38, chr18:31,089,482, plus strand): 5'-CACATTTTAGACTTTACCTCAAAAGATTCATACTGCTCACGATCTACAGGACGAGTACAA[T>TCTACAGGACACAGG]ACAAGTTTCCAGTGTCTCTCTCCACATAAAATAAATTCCGAGGTTCTTGGTCAACTCCAG-3'

ClinVar aggregate classification (germline): Uncertain significance (1 of 4 stars; one submission).

Conditions:
Familial isolated arrhythmogenic right ventricular dysplasia. Identifiers: Orphanet 217656, MedGen C4274968, MONDO:0016342.

Submission:

All of Us Research Program, National Institutes of Health
Classification: Uncertain significance for Familial isolated arrhythmogenic right ventricular dysplasia. Last evaluated: 2024-07-10. Review status: criteria provided, single submitter. Criteria: ACMG Guidelines, 2015. Collection method: clinical testing. Allele origin: germline. Inheritance: Autosomal dominant inheritance. Observed: 1 variant allele, 1 heterozygote.
Comment: This variant inserts 14 nucleotides in exon 5 of the DSC2 gene, creating a frameshift and premature translation stop signal. This variant is expected to result in an absent or non-functional protein product. To our knowledge, this variant has not been reported in individuals affected with DSC2-related disorders in the literature. This variant has not been identified in the general population by the Genome Aggregation Database (gnomAD). Although there is a suspicion for a pathogenic role, clinical relevance of loss-of-function DSC2 truncation and splice variants in autosomal dominant arrhythmogenic cardiomyopathy is not yet clearly established. The available evidence is insufficient to determine the role of this variant in disease conclusively. Therefore, this variant is classified as a Variant of Uncertain Significance.

This study involves interpretation of variants in research participants for the purpose of population health screening. Participant phenotype was not available at the time of variant classification. Additional details can be found in publication PMID: 35346344, PMCID: PMC8962531